The following is an entry in ClinVar:

ClinVar aggregate classification (germline): Conflicting classifications of pathogenicity. Review status: criteria provided, conflicting classifications (1 of 4 stars). 2 submissions from 2 submitters: Uncertain significance (1); Likely benign (1). Last evaluated 2023-03-23.

Conditions:
Hereditary cancer-predisposing syndrome. Also called: Hereditary Cancer Syndrome; Neoplastic Syndromes, Hereditary; Hereditary neoplastic syndrome; Tumor predisposition. Identifiers: Orphanet 140162, MedGen C0027672, MeSH D009386, MONDO:0015356.

Submissions (2):

University of Washington Department of Laboratory Medicine, University of Washington
Classification: Likely benign for Hereditary cancer-predisposing syndrome. Last evaluated: 2023-03-23. Review status: criteria provided, single submitter. Criteria: Dines et al. (Genet Med. 2020). Collection method: curation. Allele origin: germline.
Comment: Missense variant in a coldspot region where missense variants are very unlikely to be pathogenic (PMID:31911673).

BRCA2 exon 11 coldspot. Reclassification based on statistical prior probability.

Ambry Genetics
Classification: Uncertain significance for Hereditary cancer-predisposing syndrome. Last evaluated: 2014-04-01. Review status: criteria provided, single submitter. Criteria: Ambry Autosomal Dominant and X-Linked criteria (10/2015). Collection method: clinical testing. Allele origin: germline. Observed: 1 variant allele.
Comment: The p.N1444S variant (also known as c.4331A>G), located in coding exon 10 of the BRCA2 gene, results from an A to G substitution at nucleotide position 4331. The asparagine at codon 1444 is replaced by serine, an amino acid with highly similar properties. This variant was not reported in population based cohorts in the following databases: Database of Single Nucleotide Polymorphisms (dbSNP), NHLBI Exome Sequencing Project (ESP), and 1000 Genomes Project.To date, this alteration has been detected with an allele frequency of approximately 0.002% (greater than 42000 alleles tested) in our clinical cohort (includes this individual). Based on protein sequencealignment, this amino acid position is not well conserved in available vertebrate species. In addition, this alteration is predicted to be tolerated by in silico analysis. Since supporting evidence is limited at this time, the clinical significance of p.N1444S remains unclear.

NM_000059.4(BRCA2):c.4331A>G (p.Asn1444Ser)

Gene: BRCA2 (BRCA2 DNA repair associated; plus strand). Cytogenetic location: 13q13.1.
Variant type: single nucleotide variant.
Coding change: c.4331A>G on transcript NM_000059.4 (MANE Select); coding-DNA position 4331, A replaced by G.
Protein change: p.Asn1444Ser; replaces asparagine 1444 with serine.
Molecular consequence: missense variant.
Genome position (GRCh38, 1-based): chr13:32,338,686, A>G. VCF-style: chr13-32338686-A-G. GRCh37 (hg19) VCF-style: chr13-32912823-A-G.
Other names: short protein forms N1444S.
Identifiers: ClinVar variation 142710 (VCV000142710.5), dbSNP rs587782661, ClinGen allele CA019996.
Genomic context (GRCh38, chr13:32,338,686, plus strand): 5'-CTGATACATTTTTTCAGACTGCAAGTGGGAAAAATATTAGTGTCGCCAAAGAGTCATTTA[A>G]TAAAATTGTAAATTTCTTTGATCAGAAACCAGAAGAATTGCATAACTTTTCCTTAAATTC-3'
Protein context (NP_000050.3, residues 1434-1454): KNISVAKESF[Asn1444Ser]KIVNFFDQKP